The following is an entry in ClinVar:

ClinVar aggregate classification (germline): Uncertain significance (1 of 4 stars; one submission).

Conditions:
Pyruvate dehydrogenase E2 deficiency (PDHDD). Also called: LACTIC ACIDEMIA DUE TO DEFECT OF E2 LIPOYL TRANSACETYLASE OF THE PYRUVATE DEHYDROGENASE COMPLEX; Dihydrolipoamide Acetyltransferase (E2) Deficiency. Identifiers: Orphanet 765, Orphanet 79244, MedGen C1855565, MONDO:0009502, OMIM 245348.

Submission:

Victorian Clinical Genetics Services, Murdoch Childrens Research Institute
Classification: Uncertain significance for Pyruvate dehydrogenase E2 deficiency. Last evaluated: 2026-01-19. Review status: criteria provided, single submitter. Criteria: ACMG Guidelines, 2015. Collection method: clinical testing. Allele origin: germline. Affected: yes.
Comment: This variant is classified as VUS-3B. Evidence in support of pathogenic classification: Variant is absent from gnomAD (v2, v3 and v4); Missense variant predicted to be damaging by in silico tool(s) or highly conserved with a major amino acid change. Additional information: Variant is predicted to result in a missense amino acid change from Ile to Thr; This variant is homozygous; This gene is associated with autosomal recessive disease; This variant has no previous evidence of pathogenicity; No published evidence of segregation with disease has been identified for this variant; No published functional evidence has been identified for this variant; No comparable missense variants have previous evidence for pathogenicity; Variant is located in the annotated biotin-requiring enzyme domain (DECIPHER). - Loss of function is a known mechanism of disease in this gene and is associated with pyruvate dehydrogenase E2 deficiency (MIM#245348); Inheritance information for this variant is not currently available in this individual.

NM_001931.5(DLAT):c.443T>C (p.Ile148Thr)

Gene: DLAT (dihydrolipoamide S-acetyltransferase; plus strand). Cytogenetic location: 11q23.1.
Variant type: single nucleotide variant.
Coding change: c.443T>C on transcript NM_001931.5 (MANE Select); coding-DNA position 443, T replaced by C.
Protein change: p.Ile148Thr; replaces isoleucine 148 with threonine.
Molecular consequence: missense variant. On other transcripts: 5 prime UTR variant (1), non-coding transcript variant (1), intron variant (2).
Genome position (GRCh38, 1-based): chr11:112,028,576, T>C. VCF-style: chr11-112028576-T-C. GRCh37 (hg19) VCF-style: chr11-111899300-T-C.
Other names: c.443T>C, p.Ile148Thr (NM_001372031.1, NM_001372032.1, NM_001372033.1 and 3 more transcripts); c.410T>C, p.Ile137Thr (NM_001372034.1); c.317T>C, p.Ile106Thr (NM_001372036.1); c.275T>C, p.Ile92Thr (NM_001372037.1); c.-24T>C (NM_001372042.1); c.381+2277T>C (NM_001372038.1); c.364+2294T>C (NM_001372040.1); short protein forms I106T, I137T, I148T, I92T.
Identifiers: ClinVar variation 4818962 (VCV004818962.1).